The following is an entry in ClinVar:

NM_016616.5(NME8):c.1519A>G (p.Lys507Glu)

Gene: NME8 (NME/NM23 family member 8; plus strand). Cytogenetic location: 7p14.1.
Variant type: single nucleotide variant.
Coding change: c.1519A>G on transcript NM_016616.5 (MANE Select); coding-DNA position 1519, A replaced by G.
Protein change: p.Lys507Glu; replaces lysine 507 with glutamic acid.
Molecular consequence: missense variant.
Genome position (GRCh38, 1-based): chr7:37,894,585, A>G. VCF-style: chr7-37894585-A-G. GRCh37 (hg19) VCF-style: chr7-37934187-A-G.
Other names: short protein forms K507E.
Identifiers: ClinVar variation 834901 (VCV000834901.12), dbSNP rs148302107, ClinGen allele CA4222547.

ClinVar aggregate classification (germline): Uncertain significance. Review status: criteria provided, multiple submitters, no conflicts (2 of 4 stars). 2 submissions from 2 submitters: Uncertain significance (2). Last evaluated 2024-11-03.

Conditions:
Primary ciliary dyskinesia. Also called: Ciliary dyskinesia. Identifiers: Orphanet 244, MedGen C0008780, MONDO:0016575, HP:0012265.
Primary ciliary dyskinesia 6. Also called: Primary Ciliary Dyskinesia 6: TXNDC3-Related Primary Ciliary Dyskinesia. Identifiers: Orphanet 244, MedGen C1970506, MONDO:0012571, OMIM 610852.

Allele frequency attached by ClinVar (database versions not stated): gnomAD exomes 0.00001 and 0.00004; ExAC 0.00007; ESP Exome Variant Server 0.00015; 1000 Genomes Project 30x 0.00016; TOPMed 0.00017; 1000 Genomes Project 0.00020; gnomAD 0.00020 and 0.00021.
gnomAD v4.1: 50 of 1,594,440 alleles (0.0031%); highest among the groups gnomAD compares: African/African-American, 0.063%; no homozygotes.

Submissions (2):

Labcorp Genetics (formerly Invitae), Labcorp
Classification: Uncertain significance for Primary ciliary dyskinesia 6. Last evaluated: 2024-11-03. Review status: criteria provided, single submitter. Criteria: Invitae Variant Classification Sherloc (09022015). Collection method: clinical testing. Allele origin: germline.
Comment: This sequence change replaces lysine, which is basic and polar, with glutamic acid, which is acidic and polar, at codon 507 of the NME8 protein (p.Lys507Glu). This variant is present in population databases (rs148302107, gnomAD 0.07%), and has an allele count higher than expected for a pathogenic variant. This variant has not been reported in the literature in individuals affected with NME8-related conditions. ClinVar contains an entry for this variant (Variation ID: 834901). Invitae Evidence Modeling of protein sequence and biophysical properties (such as structural, functional, and spatial information, amino acid conservation, physicochemical variation, residue mobility, and thermodynamic stability) indicates that this missense variant is not expected to disrupt NME8 protein function with a negative predictive value of 80%. In summary, the available evidence is currently insufficient to determine the role of this variant in disease. Therefore, it has been classified as a Variant of Uncertain Significance.

Ambry Genetics
Classification: Uncertain significance for Primary ciliary dyskinesia. Last evaluated: 2022-07-08. Review status: criteria provided, single submitter. Criteria: Ambry Variant Classification Scheme 2023. Collection method: clinical testing. Allele origin: germline.